The following is an entry in ClinVar:

NM_002230.4(JUP):c.1120T>C (p.Trp374Arg)

Gene: JUP (junction plakoglobin; minus strand). Cytogenetic location: 17q21.2.
Variant type: single nucleotide variant.
Coding change: c.1120T>C on transcript NM_002230.4 (MANE Select); coding-DNA position 1120, T replaced by C.
Protein change: p.Trp374Arg; replaces tryptophan 374 with arginine.
Molecular consequence: missense variant.
Genome position (GRCh38, 1-based): chr17:41,764,751, A>G on the plus strand (T>C on the coding strand, the complement: JUP is on the minus strand). VCF-style: chr17-41764751-A-G. GRCh37 (hg19) VCF-style: chr17-39921003-A-G.
Other names: c.1120T>C, p.Trp374Arg (NM_001352773.2, NM_001352774.2, NM_001352775.2 and 3 more transcripts); short protein forms W374R.
Identifiers: ClinVar variation 3760648 (VCV003760648.2).

ClinVar aggregate classification (germline): Uncertain significance (1 of 4 stars; one submission).

Conditions:
Arrhythmogenic right ventricular dysplasia 12. Also called: ARRHYTHMOGENIC RIGHT VENTRICULAR DYSPLASIA, FAMILIAL, 12. Identifiers: MedGen C1969081, MONDO:0012684, OMIM 611528.
Naxos disease (NXD). Also called: CARDIOMYOPATHY, ARRHYTHMOGENIC RIGHT VENTRICULAR, WITH SKIN, HAIR, AND NAIL ABNORMALITIES; KERATOSIS PALMOPLANTARIS WITH ARRHYTHMOGENIC CARDIOMYOPATHY; MAL DE NAXOS; PALMOPLANTAR KERATODERMA WITH ARRHYTHMOGENIC RIGHT VENTRICULAR CARDIOMYOPATHY AND WOOLLY HAIR; WOOLLY HAIR, PALMOPLANTAR KERATODERMA, AND CARDIAC ABNORMALITIES. Identifiers: Orphanet 34217, MedGen C1832600, MONDO:0011017, OMIM 601214.

Submission:

Labcorp Genetics (formerly Invitae), Labcorp
Classification: Uncertain significance for Arrhythmogenic right ventricular dysplasia 12; Naxos disease. Last evaluated: 2024-07-16. Review status: criteria provided, single submitter. Criteria: Invitae Variant Classification Sherloc (09022015). Collection method: clinical testing. Allele origin: germline.
Comment: This sequence change replaces tryptophan, which is neutral and slightly polar, with arginine, which is basic and polar, at codon 374 of the JUP protein (p.Trp374Arg). This variant is not present in population databases (gnomAD no frequency). This variant has not been reported in the literature in individuals affected with JUP-related conditions. An algorithm developed to predict the effect of missense changes on protein structure and function (PolyPhen-2) suggests that this variant is likely to be disruptive. In summary, the available evidence is currently insufficient to determine the role of this variant in disease. Therefore, it has been classified as a Variant of Uncertain Significance.